The following is an entry in ClinVar:

ClinVar aggregate classification (germline): Benign/Likely benign. Review status: criteria provided, multiple submitters, no conflicts (2 of 4 stars). 2 submissions from 2 submitters: Benign (1); Likely benign (1). Last evaluated 2023-12-23.

Conditions:
PRKDC-related disorder. Also called: PRKDC-related condition.

Submissions (2):

PreventionGenetics, part of Exact Sciences
Classification: Benign for PRKDC-related condition. Last evaluated: 2023-12-23. Review status: criteria provided, single submitter. Criteria: ACMG Guidelines, 2015. Collection method: clinical testing. Allele origin: germline.
Comment: This variant is classified as benign based on ACMG/AMP sequence variant interpretation guidelines (Richards et al. 2015 PMID: 25741868, with internal and published modifications).

Ambry Genetics
Classification: Likely benign. Last evaluated: 2022-09-11. Review status: criteria provided, single submitter. Criteria: Ambry Variant Classification Scheme 2023. Collection method: clinical testing. Allele origin: germline.

NM_006904.7(PRKDC):c.11378T>C (p.Val3793Ala)

Gene: PRKDC (protein kinase, DNA-activated, catalytic subunit; minus strand). Cytogenetic location: 8q11.21.
Variant type: single nucleotide variant.
Coding change: c.11378T>C on transcript NM_006904.7 (MANE Select); coding-DNA position 11378, T replaced by C.
Protein change: p.Val3793Ala; replaces valine 3793 with alanine.
Molecular consequence: missense variant.
Genome position (GRCh38, 1-based): chr8:47,782,396, A>G on the plus strand (T>C on the coding strand, the complement: PRKDC is on the minus strand). VCF-style: chr8-47782396-A-G. GRCh37 (hg19) VCF-style: chr8-48694957-A-G.
Other names: c.11378T>C, p.Val3793Ala (NM_001081640.2); short protein forms V3793A.
Identifiers: ClinVar variation 1729918 (VCV001729918.3), dbSNP rs2551860388, ClinGen allele CA371129732.